The following is an entry in ClinVar:

ClinVar aggregate classification (germline): Uncertain significance (1 of 4 stars; one submission).

Conditions:
Inborn genetic diseases. Identifiers: MedGen C0950123, MeSH D030342.

Submission:

Ambry Genetics
Classification: Uncertain significance for Inborn genetic diseases. Last evaluated: 2025-03-08. Review status: criteria provided, single submitter. Criteria: Ambry Variant Classification Scheme 2023. Collection method: clinical testing. Allele origin: germline.
Comment: The p.A904P variant (also known as c.2710G>C), located in coding exon 11 of the MECOM gene, results from a G to C substitution at nucleotide position 2710. The alanine at codon 904 is replaced by proline, an amino acid with highly similar properties. This amino acid position is conserved. In addition, this alteration is predicted to be tolerated by in silico analysis. Based on the available evidence, the clinical significance of this variant remains unclear.

NM_004991.4(MECOM):c.2710G>C (p.Ala904Pro)

Gene: MECOM (MDS1 and EVI1 complex locus; minus strand). Cytogenetic location: 3q26.2.
Variant type: single nucleotide variant.
Coding change: c.2710G>C on transcript NM_004991.4 (MANE Select); coding-DNA position 2710, G replaced by C.
Protein change: p.Ala904Pro; replaces alanine 904 with proline.
Molecular consequence: missense variant.
Genome position (GRCh38, 1-based): chr3:169,102,121, C>G on the plus strand (G>C on the coding strand, the complement: MECOM is on the minus strand). VCF-style: chr3-169102121-C-G. GRCh37 (hg19) VCF-style: chr3-168819909-C-G.
Other names: c.2341G>C, p.Ala781Pro (NM_001105077.4); c.2146G>C, p.Ala716Pro (NM_001105078.4, NM_001205194.2, NM_001366469.2 and 1 more transcripts); c.2122G>C, p.Ala708Pro (NM_001163999.2, NM_001366470.2); c.2119G>C, p.Ala707Pro (NM_001164000.2, NM_001366471.2, NM_001366472.2); c.2683G>C, p.Ala895Pro (NM_001366466.2); c.2149G>C, p.Ala717Pro (NM_001366467.2, NM_001366468.2); c.1711G>C, p.Ala571Pro (NM_001366473.2); c.1147G>C, p.Ala383Pro (NM_001366474.2); short protein forms A383P, A716P, A781P, A895P, A571P, A707P, A904P, A708P.
Identifiers: ClinVar variation 3871888 (VCV003871888.1).
Genomic context (GRCh38, chr3:169,102,121, plus strand): 5'-TGCAGGTATAGCGCTCCTTTCCCTTCCGCAGAAGGTTCTCTGGCAGGGCATTGGGAGGCG[C>G]CCTGAAGTTGAACATAGAGGGCACTGACTGTAAGAGCTCACTGGCCTCAGGTTTCAGGGC-3'
Protein context (NP_004982.2, residues 894-914): QSVPSMFNFR[Ala904Pro]PPNALPENLL